The following is an entry in ClinVar:

NM_001077663.3(URGCP):c.627C>T (p.Cys209=)

Genes: URGCP (upregulator of cell proliferation; minus strand), URGCP-MRPS24 (URGCP-MRPS24 readthrough; minus strand). Cytogenetic location: 7p13.
Variant type: single nucleotide variant.
Coding change: c.627C>T on transcript NM_001077663.3 (MANE Select); coding-DNA position 627, C replaced by T.
Protein change: p.Cys209=; no amino-acid change (cysteine 209 retained).
Molecular consequence: synonymous variant. On other transcripts: intron variant (1).
Genome position (GRCh38, 1-based): chr7:43,878,836, G>A on the plus strand (C>T on the coding strand, the complement: URGCP is on the minus strand). VCF-style: chr7-43878836-G-A. GRCh37 (hg19) VCF-style: chr7-43918435-G-A.
Other names: c.498C>T, p.Cys166= (NM_001077664.3, NM_001290075.2, NM_001290076.2); c.600C>T, p.Cys200= (NM_017920.5); c.175+2823C>T (NM_001204871.2).
Identifiers: ClinVar variation 3772054 (VCV003772054.13).
Genomic context (GRCh38, chr7:43,878,836, plus strand): 5'-CAGCAGAAATGTATGGTAGTGGTTCTCCGAGTCAGGCAACACGAGTGGGAGTGCAAACTG[G>A]CAGAGGGCCATTTTCAACGCTATTTCTTGTTGCAGGAAACTGTCTGAGGAGAGCAGCAGG-3'
Protein context (NP_001071131.1, residues 199-219): QQEIALKMAL[Cys209=]QFALPLVLPD

ClinVar aggregate classification (germline): Likely benign (1 of 4 stars; one submission).

Submission:

CeGaT Center for Human Genetics Tuebingen
Classification: Likely benign. Last evaluated: 2024-12-01. Review status: criteria provided, single submitter. Criteria: CeGaT Center For Human Genetics Tuebingen Variant Classification Criteria Version 2. Collection method: clinical testing. Allele origin: germline. Affected: yes. Observed: 1 variant allele.
Comment: URGCP: PM2:Supporting, BP4, BP7